The following is an entry in ClinVar:

NM_000687.4(AHCY):c.104T>C (p.Met35Thr)

Gene: AHCY (adenosylhomocysteinase; minus strand). Cytogenetic location: 20q11.22.
Variant type: single nucleotide variant.
Coding change: c.104T>C on transcript NM_000687.4 (MANE Select); coding-DNA position 104, T replaced by C.
Protein change: p.Met35Thr; replaces methionine 35 with threonine.
Molecular consequence: missense variant.
Genome position (GRCh38, 1-based): chr20:34,295,510, A>G on the plus strand (T>C on the coding strand, the complement: AHCY is on the minus strand). VCF-style: chr20-34295510-A-G. GRCh37 (hg19) VCF-style: chr20-32883316-A-G.
Other names: c.20T>C, p.Met7Thr (NM_001161766.2, NM_001322084.2, NM_001322085.2); c.110T>C, p.Met37Thr (NM_001322086.2); c.104T>C, p.Met35Thr (NM_001362750.2); c.104T>C (NM_000687.2); short protein forms M35T, M7T, M37T.
Identifiers: ClinVar variation 936017 (VCV000936017.9), dbSNP rs770343325, ClinGen allele CA9821135.

ClinVar aggregate classification (germline): Uncertain significance. Review status: criteria provided, multiple submitters, no conflicts (2 of 4 stars). 2 submissions from 2 submitters: Uncertain significance (2). Last evaluated 2025-01-24.

Conditions:
Hypermethioninemia with deficiency of S-adenosylhomocysteine hydrolase. Identifiers: Orphanet 88618, MedGen C3151058, MONDO:0013404, OMIM 613752.
Inborn genetic diseases. Identifiers: MedGen C0950123, MeSH D030342.

Allele frequency attached by ClinVar (database versions not stated): gnomAD exomes below 0.00001; ExAC 0.00001.
gnomAD v4.1: 2 of 1,614,090 alleles (0.00012%); highest among the groups gnomAD compares: African/African-American, 0.0027%; no homozygotes.

Submissions (2):

Ambry Genetics
Classification: Uncertain significance for Inborn genetic diseases. Last evaluated: 2025-01-24. Review status: criteria provided, single submitter. Criteria: Ambry Variant Classification Scheme 2023. Collection method: clinical testing. Allele origin: germline.

Labcorp Genetics (formerly Invitae), Labcorp
Classification: Uncertain significance for Hypermethioninemia with deficiency of S-adenosylhomocysteine hydrolase. Last evaluated: 2019-07-16. Review status: criteria provided, single submitter. Criteria: Invitae Variant Classification Sherloc (09022015). Collection method: clinical testing. Allele origin: germline.
Comment: In summary, the available evidence is currently insufficient to determine the role of this variant in disease. Therefore, it has been classified as a Variant of Uncertain Significance. Algorithms developed to predict the effect of missense changes on protein structure and function are either unavailable or do not agree on the potential impact of this missense change (SIFT: "Not Available"; PolyPhen-2: "Benign"; Align-GVGD: "Not Available"). This variant has not been reported in the literature in individuals with AHCY-related conditions. This variant is present in population databases (rs770343325, ExAC 0.009%). This sequence change replaces methionine with threonine at codon 35 of the AHCY protein (p.Met35Thr). The methionine residue is moderately conserved and there is a moderate physicochemical difference between methionine and threonine.